The following is an entry in ClinVar:

NC_000002.11:g.(15378811_15415607)_(15567919_15601324)del

Gene: NBAS (NBAS subunit of NRZ tethering complex; minus strand). Cytogenetic location: 2p24.3.
Variant type: Deletion.
Identifiers: ClinVar variation 1683354 (VCV001683354.1).

ClinVar aggregate classification (germline): Likely pathogenic (1 of 4 stars; one submission).

Conditions:
Acute infantile liver failure due to synthesis defect of mtDNA-encoded proteins. Also called: LIVER FAILURE, INFANTILE, TRANSIENT; Liver failure acute infantile; TRMU Deficiency. Identifiers: Orphanet 217371, MedGen C3278664, MONDO:0013111, OMIM 613070.

Submission:

Women's Health and Genetics/Laboratory Corporation of America, LabCorp
Classification: Likely pathogenic for Acute infantile liver failure due to synthesis defect of mtDNA-encoded proteins. Last evaluated: 2022-04-22. Review status: criteria provided, single submitter. Criteria: LabCorp Variant Classification Summary - May 2015. Collection method: clinical testing. Allele origin: germline.
Comment: Variant summary: The variant identified by MLPA or other technology involves the deletion of exons 22-44 in the NBAS gene. A presumed nomenclature of c.(2339+1_2340-1)_(5724+1_5725-1)del has been designated for the purposes of this classification. Although exact breakpoints of this deletion are not known, it is expected to result in a large deletion, causing a frameshift in the NBAS gene, a known mechanism of disease. The variant was absent in 21694 control chromosomes (gnomAD database, structural variants dataset). To our knowledge, no occurrence of c.(2339+1_2340-1)_(5724+1_5725-1)del in individuals affected with Liver Failure Acute Infantile, Type 2 and no experimental evidence demonstrating its impact on protein function have been reported. No clinical diagnostic laboratories have submitted clinical-significance assessments for this variant to ClinVar after 2014. Based on the evidence outlined above, the variant was classified as likely pathogenic.